The following is an entry in ClinVar:

NM_004115.4(FGF14):c.*1618T>A

Gene: FGF14 (fibroblast growth factor 14; minus strand). Cytogenetic location: 13q33.1.
Variant type: single nucleotide variant.
Coding change: c.*1618T>A on transcript NM_004115.4 (MANE Select); 1618 bases downstream of the stop codon, T replaced by A.
Molecular consequence: 3 prime UTR variant.
Genome position (GRCh38, 1-based): chr13:101,721,213, A>T on the plus strand (T>A on the coding strand, the complement: FGF14 is on the minus strand). VCF-style: chr13-101721213-A-T. GRCh37 (hg19) VCF-style: chr13-102373563-A-T.
Other names: c.*1618T>A (NM_001321931.1, NM_001321932.1, NM_001321933.1 and 17 more transcripts).
Identifiers: ClinVar variation 310863 (VCV000310863.6), dbSNP rs15608, ClinGen allele CA10642690.
Genomic context (GRCh38, chr13:101,721,213, plus strand): 5'-ATGAACTCTTCTGAGAAGAAAACATTGAATTTTATTAGGTGTACACAGAGTTAACAAATA[A>T]ATTCCCAAACAGTTTAGTATGAAACATTTTGAACCCCTTTAGATCCAATATTGAACATTT-3'

ClinVar aggregate classification (germline): Benign. Review status: criteria provided, multiple submitters, no conflicts (2 of 4 stars). 2 submissions from 2 submitters: Benign (2). Last evaluated 2018-01-13.

Conditions:
Spinocerebellar ataxia type 27 (SCA27). Identifiers: Orphanet 98764, MedGen C1836383, MONDO:0012247.

Allele frequency attached by ClinVar (database versions not stated): TOPMed 0.77957; 1000 Genomes Project 0.83247; 1000 Genomes Project 30x 0.83510.

Submissions (2):

Illumina Laboratory Services, Illumina
Classification: Benign for Spinocerebellar ataxia 27A. Last evaluated: 2018-01-13. Review status: criteria provided, single submitter. Criteria: ICSL Variant Classification Criteria 13 December 2019. Collection method: clinical testing. Allele origin: germline.
Comment: This variant was observed in the ICSL laboratory as part of a predisposition screen in an ostensibly healthy population. It had not been previously curated by ICSL or reported in the Human Gene Mutation Database (HGMD: prior to June 1st, 2018), and was therefore a candidate for classification through an automated scoring system. Utilizing variant allele frequency, disease prevalence and penetrance estimates, and inheritance mode, an automated score was calculated to assess if this variant is too frequent to cause the disease. Based on the score and internal cut-off values, a variant classified as benign is not then subjected to further curation. The score for this variant resulted in a classification of benign for this disease.

Breakthrough Genomics
Classification: Benign. Review status: criteria provided, single submitter. Criteria: ACMG Guidelines, 2015. Collection method: not provided. Allele origin: germline. Inheritance: Autosomal dominant inheritance. Affected: yes.